The following is an entry in ClinVar:

NM_006790.3(MYOT):c.1307C>A (p.Thr436Lys)

Genes: MYOT (myotilin; plus strand), PKD2L2-DT (PKD2L2 divergent transcript; minus strand). Cytogenetic location: 5q31.2.
Variant type: single nucleotide variant.
Coding change: c.1307C>A on transcript NM_006790.3 (MANE Select); coding-DNA position 1307, C replaced by A.
Protein change: p.Thr436Lys; replaces threonine 436 with lysine.
Molecular consequence: missense variant.
Genome position (GRCh38, 1-based): chr5:137,886,980, C>A. VCF-style: chr5-137886980-C-A. GRCh37 (hg19) VCF-style: chr5-137222669-C-A.
Other names: c.755C>A, p.Thr252Lys (NM_001135940.2); c.962C>A, p.Thr321Lys (NM_001300911.2); short protein forms T436K, T252K, T321K.
Identifiers: ClinVar variation 2694867 (VCV002694867.5), dbSNP rs2532026097, ClinGen allele CA361056646.
Genomic context (GRCh38, chr5:137,886,980, plus strand): 5'-AAGATGCTGGGTGGTATACTGTGTCAGCAGTTAATGAAGCTGGAGTGACTACATGTAACA[C>A]AAGATTAGACGTTACGGGTATGTCATACTATTAACCAAAGTATTATAAGGGATTTAACTA-3'
Protein context (NP_006781.1, residues 426-446): VNEAGVTTCN[Thr436Lys]RLDVTARPNQ

ClinVar aggregate classification (germline): Uncertain significance. Review status: criteria provided, multiple submitters, no conflicts (2 of 4 stars). 2 submissions from 2 submitters: Uncertain significance (2). Last evaluated 2025-11-29.

Conditions:
Myofibrillar myopathy 3 (MFM3). Also called: Muscular dystrophy, proximal, type 1A; Autosomal dominant spheroid body myopathy. Identifiers: Orphanet 266, Orphanet 268129, MedGen C3714934, MONDO:0012215, OMIM 609200.

Submissions (2):

GeneDx
Classification: Uncertain significance. Last evaluated: 2025-11-29. Review status: criteria provided, single submitter. Criteria: GeneDx Variant Classification Process June 2021. Collection method: clinical testing. Allele origin: germline.
Comment: Not observed at significant frequency in large population cohorts (gnomAD); Missense variants in this gene are a common cause of disease and they are underrepresented in the general population; In silico analysis suggests that this missense variant does not alter protein structure/function; Has not been previously published as pathogenic or benign to our knowledge; This variant is associated with the following publications: (PMID: 22349301)

Labcorp Genetics (formerly Invitae), Labcorp
Classification: Uncertain significance for Myofibrillar myopathy 3. Last evaluated: 2023-11-10. Review status: criteria provided, single submitter. Criteria: Invitae Variant Classification Sherloc (09022015). Collection method: clinical testing. Allele origin: germline.
Comment: This sequence change replaces threonine, which is neutral and polar, with lysine, which is basic and polar, at codon 436 of the MYOT protein (p.Thr436Lys). This variant is not present in population databases (gnomAD no frequency). This variant has not been reported in the literature in individuals affected with MYOT-related conditions. An algorithm developed to predict the effect of missense changes on protein structure and function (PolyPhen-2) suggests that this variant is likely to be disruptive. In summary, the available evidence is currently insufficient to determine the role of this variant in disease. Therefore, it has been classified as a Variant of Uncertain Significance.